The following is an entry in ClinVar:

NM_007348.4(ATF6):c.1146G>A (p.Met382Ile)

Gene: ATF6 (activating transcription factor 6; plus strand). Cytogenetic location: 1q23.3.
Variant type: single nucleotide variant.
Coding change: c.1146G>A on transcript NM_007348.4 (MANE Select); coding-DNA position 1146, G replaced by A.
Protein change: p.Met382Ile; replaces methionine 382 with isoleucine.
Molecular consequence: missense variant.
Genome position (GRCh38, 1-based): chr1:161,821,120, G>A. VCF-style: chr1-161821120-G-A. GRCh37 (hg19) VCF-style: chr1-161790910-G-A.
Other names: short protein forms M382I.
Identifiers: ClinVar variation 1488902 (VCV001488902.6), dbSNP rs2101785693, ClinGen allele CA343374363.

ClinVar aggregate classification (germline): Uncertain significance (1 of 4 stars; one submission).

Allele frequency attached by ClinVar (database versions not stated): gnomAD exomes 0.00001.
gnomAD v4.1: 13 of 1,613,114 alleles (0.00081%); highest among the groups gnomAD compares: Non-Finnish European, 0.0011%; no homozygotes.

Submission:

Labcorp Genetics (formerly Invitae), Labcorp
Classification: Uncertain significance. Last evaluated: 2022-02-23. Review status: criteria provided, single submitter. Criteria: Invitae Variant Classification Sherloc (09022015). Collection method: clinical testing. Allele origin: germline.
Comment: In summary, the available evidence is currently insufficient to determine the role of this variant in disease. Therefore, it has been classified as a Variant of Uncertain Significance. Algorithms developed to predict the effect of missense changes on protein structure and function (SIFT, PolyPhen-2, Align-GVGD) all suggest that this variant is likely to be tolerated. This variant has not been reported in the literature in individuals affected with ATF6-related conditions. This variant is not present in population databases (gnomAD no frequency). This sequence change replaces methionine, which is neutral and non-polar, with isoleucine, which is neutral and non-polar, at codon 382 of the ATF6 protein (p.Met382Ile).